The following is an entry in ClinVar:

NM_000021.4(PSEN1):c.338+7A>G

Gene: PSEN1 (presenilin 1; plus strand). Cytogenetic location: 14q24.2.
Variant type: single nucleotide variant.
Coding change: c.338+7A>G on transcript NM_000021.4 (MANE Select); 7 bases into the intron after coding-DNA position 338, A replaced by G.
Molecular consequence: intron variant.
Genome position (GRCh38, 1-based): chr14:73,171,054, A>G. VCF-style: chr14-73171054-A-G. GRCh37 (hg19) VCF-style: chr14-73637762-A-G.
Other names: c.326+7A>G (NM_007318.3); c.338+7A>G (NM_000021.3).
Identifiers: ClinVar variation 1026266 (VCV001026266.9), dbSNP rs1897878139, ClinGen allele CA2146469735.

ClinVar aggregate classification (germline): Conflicting classifications of pathogenicity. Review status: criteria provided, conflicting classifications (1 of 4 stars). 3 submissions from 3 submitters: Likely pathogenic (1); Uncertain significance (2). Last evaluated 2025-07-08.

Conditions:
Frontotemporal dementia (FTD1). Also called: MULTIPLE SYSTEM TAUOPATHY WITH PRESENILE DEMENTIA; WILHELMSEN-LYNCH DISEASE; FRONTOTEMPORAL DEMENTIA WITH PARKINSONISM; FRONTOTEMPORAL LOBE DEMENTIA; FRONTOTEMPORAL LOBAR DEGENERATION WITH TAU INCLUSIONS; FTLD WITH TAU INCLUSIONS. Identifiers: Orphanet 282, MedGen C0338451, MONDO:0017276, OMIM 600274, HP:0002145.
Pick disease. Also called: LOBAR ATROPHY OF BRAIN; PICK DISEASE OF BRAIN; DEMENTIA WITH LOBAR ATROPHY AND NEURONAL CYTOPLASMIC INCLUSIONS; Pick Disease of the Brain; Pick's disease. Identifiers: Orphanet 282, MedGen C0236642, MONDO:0008243, OMIM 172700.
Acne inversa, familial, 3 (ACNINV3). Identifiers: MedGen C3151038, MONDO:0013398, OMIM 613737.
Alzheimer disease 3 (AD3). Also called: ALZHEIMER DISEASE, FAMILIAL, 3. Identifiers: Orphanet 1020, MedGen C1843013, MONDO:0011913, OMIM 607822.

Submissions (3):

Athena Diagnostics
Classification: Uncertain significance. Last evaluated: 2025-07-08. Review status: criteria provided, single submitter. Criteria: Athena Diagnostics Criteria. Collection method: clinical testing. Allele origin: unknown.
Comment: Available data are insufficient to determine the clinical significance of the variant at this time. This variant has not been reported in large, multi-ethnic general populations. This variant has been identified in at least one individual with clinical features associated with autosomal dominant Alzheimer disease. Computational tools yielded predictions that this variant may result in the gain of a cryptic splice site without affecting the natural splice sites.

3billion
Classification: Uncertain significance for Alzheimer disease 3. Last evaluated: 2023-10-17. Review status: criteria provided, single submitter. Criteria: ACMG Guidelines, 2015. Collection method: clinical testing. Allele origin: germline. Affected: yes.
Comment: The variant is not observed in the gnomAD v2.1.1 dataset. Predicted Consequence/Location: Intron variant In silico tools predict the variant to alter splicing and produce an abnormal transcript [SpliceAI: 0.97 (>=0.2, moderate evidence for spliceogenicity)]. The variant has been reported to be associated with PSEN1 related disorder (ClinVar ID: VCV001026266). However, the evidence of pathogenicity is insufficient at this time. Therefore, this variant is classified as VUS according to the recommendation of ACMG/AMP guideline.

Labcorp Genetics (formerly Invitae), Labcorp
Classification: Likely pathogenic for Alzheimer disease 3; Pick disease; Acne inversa, familial, 3; Frontotemporal dementia. Last evaluated: 2022-01-05. Review status: criteria provided, single submitter. Criteria: Invitae Variant Classification Sherloc (09022015). Collection method: clinical testing. Allele origin: germline.
Comment: In summary, the currently available evidence indicates that the variant is pathogenic, but additional data are needed to prove that conclusively. Therefore, this variant has been classified as Likely Pathogenic. This sequence change falls in intron 4 of the PSEN1 gene. It does not directly change the encoded amino acid sequence of the PSEN1 protein. This variant is not present in population databases (gnomAD no frequency). This variant has been observed in individual(s) with early-onset Alzheimer disease (Invitae). It has also been observed to segregate with disease in related individuals. ClinVar contains an entry for this variant (Variation ID: 1026266). Algorithms developed to predict the effect of sequence changes on RNA splicing suggest that this variant may create or strengthen a splice site.

Literature cited by the submitters: PubMed 38683602 (cited by Athena Diagnostics).